The following is an entry in ClinVar:

NM_005068.3(SIM1):c.1431C>A (p.Tyr477Ter)

Genes: SIM1 (SIM bHLH transcription factor 1; minus strand), SIM1-AS1 (SIM1 antisense RNA 1; plus strand). Cytogenetic location: 6q16.3.
Variant type: single nucleotide variant.
Coding change: c.1431C>A on transcript NM_005068.3 (MANE Select); coding-DNA position 1431, C replaced by A.
Protein change: p.Tyr477Ter; replaces tyrosine 477 with a stop codon.
Molecular consequence: nonsense. On other transcripts: non-coding transcript variant (1).
Genome position (GRCh38, 1-based): chr6:100,393,626, G>T on the plus strand (C>A on the coding strand, the complement: SIM1 is on the minus strand). VCF-style: chr6-100393626-G-T. GRCh37 (hg19) VCF-style: chr6-100841502-G-T.
Other names: c.1431C>A, p.Tyr477Ter (NM_001374769.1); short protein forms Y477*.
Identifiers: ClinVar variation 3349174 (VCV003349174.1).

ClinVar aggregate classification (germline): Likely pathogenic (0 of 4 stars; one submission).

Conditions:
SIM1-related disorder. Also called: SIM1-related condition; SIM1-related disorders.

Submission:

PreventionGenetics, part of Exact Sciences
Classification: Likely pathogenic for SIM1-related condition. Last evaluated: 2023-12-11. Review status: no assertion criteria provided. Collection method: clinical testing. Allele origin: germline.
Comment: The SIM1 c.1431C>A variant is predicted to result in premature protein termination (p.Tyr477*). To our knowledge, this variant has not been reported in the literature or in a large population database, indicating this variant is rare. Other loss-of-function variants have been reported both up and downstream of this variant (Human Gene Mutation Database). Therefore, this variant is interpreted as likely pathogenic.